The following is an entry in ClinVar:

NM_001290060.2(SEMA3B):c.1104C>G (p.Tyr368Ter)

Gene: SEMA3B (semaphorin 3B; plus strand). Cytogenetic location: 3p21.31.
Variant type: single nucleotide variant.
Coding change: c.1104C>G on transcript NM_001290060.2 (MANE Select); coding-DNA position 1104, C replaced by G.
Protein change: p.Tyr368Ter; replaces tyrosine 368 with a stop codon.
Molecular consequence: nonsense.
Genome position (GRCh38, 1-based): chr3:50,274,024, C>G. VCF-style: chr3-50274024-C-G. GRCh37 (hg19) VCF-style: chr3-50311455-C-G.
Other names: c.1101C>G, p.Tyr367Ter (NM_001005914.3, NM_001435957.1, NM_001435958.1); c.1119C>G, p.Tyr373Ter (NM_001290061.1); c.75C>G, p.Tyr25Ter (NM_001290062.2, NM_001290063.2); c.1104C>G, p.Tyr368Ter (NM_001435956.1, NM_004636.4); short protein forms Y25*, Y368*, Y373*, Y367*.
Identifiers: ClinVar variation 4999598 (VCV004999598.1).

ClinVar aggregate classification (germline): Uncertain significance (1 of 4 stars; one submission).

Conditions:
SEMA3B-related disorder. Also called: SEMA3B-related condition.

gnomAD v4.1: 49 of 1,613,422 alleles (0.003%); highest among the groups gnomAD compares: Non-Finnish European, 0.0019%; no homozygotes.

Submission:

PreventionGenetics, part of Exact Sciences
Classification: Uncertain significance for SEMA3B-related condition. Last evaluated: 2025-04-24. Review status: criteria provided, single submitter. Criteria: ACMG Guidelines, 2015. Collection method: clinical testing. Allele origin: germline.
Comment: The SEMA3B c.75C>G variant is predicted to result in premature protein termination (p.Tyr25*). To our knowledge, this variant has not been reported in the literature. This variant is reported in 0.040% of alleles in individuals of European (Finnish) descent in gnomAD. At this time, the clinical significance of this variant is uncertain due to the absence of conclusive functional and genetic evidence.